The following is an entry in ClinVar:

ClinVar aggregate classification (germline): Uncertain significance. Review status: criteria provided, multiple submitters, no conflicts (2 of 4 stars). 2 submissions from 2 submitters: Uncertain significance (2). Last evaluated 2025-11-15.

Conditions:
Primary dilated cardiomyopathy (DCM). Also called: Dilated Cardiomyopathy. Identifiers: Orphanet 217604, MedGen C0007193, MeSH D002311, MONDO:0005021, HP:0001644. Inheritance: Various modes of inheritance.

gnomAD v4.1: 3 of 1,581,142 alleles (0.00019%); highest among the groups gnomAD compares: Non-Finnish European, 0.00026%; no homozygotes.

Submissions (2):

Ambry Genetics
Classification: Uncertain significance. Last evaluated: 2025-11-15. Review status: criteria provided, single submitter. Criteria: Ambry Variant Classification Scheme 2023. Collection method: clinical testing. Allele origin: germline.
Comment: The p.K338E variant (also known as c.1012A>G), located in coding exon 11 of the NEBL gene, results from an A to G substitution at nucleotide position 1012. The lysine at codon 338 is replaced by glutamic acid, an amino acid with similar properties. This amino acid position is conserved. In addition, the in silico prediction for this alteration is inconclusive. Based on the available evidence, the clinical significance of this variant remains unclear.

Labcorp Genetics (formerly Invitae), Labcorp
Classification: Uncertain significance for Primary dilated cardiomyopathy. Last evaluated: 2025-08-09. Review status: criteria provided, single submitter. Criteria: Invitae Variant Classification Sherloc (09022015). Collection method: clinical testing. Allele origin: germline.
Comment: This sequence change replaces lysine, which is basic and polar, with glutamic acid, which is acidic and polar, at codon 338 of the NEBL protein (p.Lys338Glu). This variant is not present in population databases (gnomAD no frequency). This variant has not been reported in the literature in individuals affected with NEBL-related conditions. An algorithm developed to predict the effect of missense changes on protein structure and function (PolyPhen-2) suggests that this variant is likely to be disruptive. In summary, the available evidence is currently insufficient to determine the role of this variant in disease. Therefore, it has been classified as a Variant of Uncertain Significance.

NM_006393.3(NEBL):c.1012A>G (p.Lys338Glu)

Gene: NEBL (nebulette; minus strand). Cytogenetic location: 10p12.31.
Variant type: single nucleotide variant.
Coding change: c.1012A>G on transcript NM_006393.3 (MANE Select); coding-DNA position 1012, A replaced by G.
Protein change: p.Lys338Glu; replaces lysine 338 with glutamic acid.
Molecular consequence: missense variant. On other transcripts: intron variant (9).
Genome position (GRCh38, 1-based): chr10:20,850,499, T>C on the plus strand (A>G on the coding strand, the complement: NEBL is on the minus strand). VCF-style: chr10-20850499-T-C. GRCh37 (hg19) VCF-style: chr10-21139428-T-C.
Other names: c.250-37559A>G (NM_001377326.1, NM_001377327.1, NM_001377328.1); c.358-37559A>G (NM_213569.2, NM_001173484.2, NM_001377322.1); c.301-37559A>G (NM_001377324.1); c.292-37559A>G (NM_001377325.1); c.310-37559A>G (NM_001377323.1); short protein forms K338E.
Identifiers: ClinVar variation 4556738 (VCV004556738.2).